The following is an entry in ClinVar:

ClinVar aggregate classification (germline): Pathogenic (1 of 4 stars; one submission).

Conditions:
Glycine encephalopathy. Also called: Nonketotic hyperglycinemia; Non-ketotic hyperglycinemia. Identifiers: Orphanet 407, MedGen C0751748, MONDO:0011612, HP:0008288.

Submission:

Labcorp Genetics (formerly Invitae), Labcorp
Classification: Pathogenic for Glycine encephalopathy. Last evaluated: 2023-12-11. Review status: criteria provided, single submitter. Criteria: Invitae Variant Classification Sherloc (09022015). Collection method: clinical testing. Allele origin: unknown.
Comment: This variant is a gross deletion of the genomic region encompassing exon(s) 1-16 of the GLDC gene, which includes the initiator codon. This deletion extends beyond the assayed region for this gene and therefore may encompass additional genes. It is expected to result in an absent or disrupted protein product. Loss-of-function variants in GLDC are known to be pathogenic (PMID: 16601880). A similar copy number variant has been observed in individual(s) with GLDC-related conditions (PMID: 17361008). For these reasons, this variant has been classified as Pathogenic.

Literature cited by the submitters: PubMed 16601880; PubMed 17361008.

NC_000009.11:g.(?_6565334)_(6645499_?)del

Gene: GLDC (glycine decarboxylase; minus strand). Cytogenetic location: 9p24.1.
Variant type: Deletion.
Identifiers: ClinVar variation 3245141 (VCV003245141.1).